The following is an entry in ClinVar:

ClinVar aggregate classification (germline): Uncertain significance (1 of 4 stars; one submission).

Conditions:
Inborn genetic diseases. Identifiers: MedGen C0950123, MeSH D030342.

Allele frequency attached by ClinVar (database versions not stated): TOPMed below 0.00001.
gnomAD v4.1: 1 of 1,586,420 alleles (0.000063%); highest among the groups gnomAD compares: Non-Finnish European, 0.000087%; no homozygotes.

Submission:

Ambry Genetics
Classification: Uncertain significance for Inborn genetic diseases. Last evaluated: 2022-01-27. Review status: criteria provided, single submitter. Criteria: Ambry Variant Classification Scheme 2023. Collection method: clinical testing. Allele origin: germline.
Comment: The c.1254+5G>A intronic variant results from a G to A substitution 5 nucleotides after coding exon 13 in the SPTLC1 gene. This nucleotide position is highly conserved in available vertebrate species. In silico splice site analysis for this alteration is inconclusive. Since supporting evidence is limited at this time, the clinical significance of this alteration remains unclear.

NM_006415.4(SPTLC1):c.1254+5G>A

Gene: SPTLC1 (serine palmitoyltransferase long chain base subunit 1; minus strand). Cytogenetic location: 9q22.31.
Variant type: single nucleotide variant.
Coding change: c.1254+5G>A on transcript NM_006415.4 (MANE Select); 5 bases into the intron after coding-DNA position 1254, G replaced by A.
Molecular consequence: intron variant.
Genome position (GRCh38, 1-based): chr9:92,038,243, C>T on the plus strand (G>A on the coding strand, the complement: SPTLC1 is on the minus strand). VCF-style: chr9-92038243-C-T. GRCh37 (hg19) VCF-style: chr9-94800525-C-T.
Other names: c.1254+5G>A (NM_001281303.2); c.888+5G>A (NM_001368272.1); c.789+5G>A (NM_001368273.1).
Identifiers: ClinVar variation 1761333 (VCV001761333.2), dbSNP rs1172975901, ClinGen allele CA1864057960.